The following is an entry in ClinVar:

NM_000321.3(RB1):c.2758A>G (p.Met920Val)

Gene: RB1 (RB transcriptional corepressor 1; plus strand). Cytogenetic location: 13q14.2.
Variant type: single nucleotide variant.
Coding change: c.2758A>G on transcript NM_000321.3 (MANE Select); coding-DNA position 2758, A replaced by G.
Protein change: p.Met920Val; replaces methionine 920 with valine.
Molecular consequence: missense variant.
Genome position (GRCh38, 1-based): chr13:48,480,042, A>G. VCF-style: chr13-48480042-A-G. GRCh37 (hg19) VCF-style: chr13-49054178-A-G.
Other names: c.*5A>G (NM_001407165.1); c.208A>G, p.Met70Val (NM_001407168.1); short protein forms M920V, M70V.
Identifiers: ClinVar variation 1795629 (VCV001795629.4), dbSNP rs1319312586, ClinGen allele CA388158484.

ClinVar aggregate classification (germline): Conflicting classifications of pathogenicity. Review status: criteria provided, conflicting classifications (1 of 4 stars). 2 submissions from 2 submitters: Uncertain significance (1); Benign (1). Last evaluated 2025-12-15.

Conditions:
Hereditary cancer-predisposing syndrome. Also called: Tumor predisposition; Hereditary Cancer Syndrome; Hereditary neoplastic syndrome; Neoplastic Syndromes, Hereditary. Identifiers: Orphanet 140162, MedGen C0027672, MeSH D009386, MONDO:0015356.
Retinoblastoma (RB1). Also called: RETINOBLASTOMA, SOMATIC. Identifiers: Orphanet 790, MedGen C0035335, MeSH D012175, MONDO:0008380, OMIM 180200, HP:0009919. Disease mechanism: loss of function. Inheritance: Both sporadic and heritable forms are tested..

Allele frequency attached by ClinVar (database versions not stated): gnomAD exomes 0.00001; TOPMed 0.00002; gnomAD 0.00006.
gnomAD v4.1: 18 of 1,613,356 alleles (0.0011%); highest among the groups gnomAD compares: Admixed American, 0.025%; no homozygotes.

Submissions (2):

Ambry Genetics
Classification: Benign for Hereditary cancer-predisposing syndrome. Last evaluated: 2025-12-15. Review status: criteria provided, single submitter. Criteria: Ambry Variant Classification Scheme 2023. Collection method: clinical testing. Allele origin: germline.

Labcorp Genetics (formerly Invitae), Labcorp
Classification: Uncertain significance for Retinoblastoma. Last evaluated: 2023-06-20. Review status: criteria provided, single submitter. Criteria: Invitae Variant Classification Sherloc (09022015). Collection method: clinical testing. Allele origin: germline.
Comment: This sequence change replaces methionine, which is neutral and non-polar, with valine, which is neutral and non-polar, at codon 920 of the RB1 protein (p.Met920Val). In summary, the available evidence is currently insufficient to determine the role of this variant in disease. Therefore, it has been classified as a Variant of Uncertain Significance. Advanced modeling of protein sequence and biophysical properties (such as structural, functional, and spatial information, amino acid conservation, physicochemical variation, residue mobility, and thermodynamic stability) has been performed at Invitae for this missense variant, however the output from this modeling did not meet the statistical confidence thresholds required to predict the impact of this variant on RB1 protein function. ClinVar contains an entry for this variant (Variation ID: 1795629). This variant has not been reported in the literature in individuals affected with RB1-related conditions. This variant is present in population databases (no rsID available, gnomAD 0.02%).